The following is an entry in ClinVar:

ClinVar aggregate classification (germline): Uncertain significance (1 of 4 stars; one submission).

Conditions:
Inborn genetic diseases. Identifiers: MedGen C0950123, MeSH D030342.

Allele frequency attached by ClinVar (database versions not stated): gnomAD exomes below 0.00001.
gnomAD v4.1: 1 of 1,613,244 alleles (0.000062%); highest among the groups gnomAD compares: Non-Finnish European, 0.000085%; no homozygotes.

Submission:

Ambry Genetics
Classification: Uncertain significance for Inborn genetic diseases. Last evaluated: 2022-04-28. Review status: criteria provided, single submitter. Criteria: Ambry Variant Classification Scheme 2023. Collection method: clinical testing. Allele origin: germline.
Comment: The p.V356I variant (also known as c.1066G>A), located in coding exon 6 of the SPG11 gene, results from a G to A substitution at nucleotide position 1066. The valine at codon 356 is replaced by isoleucine, an amino acid with highly similar properties. This amino acid position is not well conserved in available vertebrate species, and isoleucine is the reference amino acid in other vertebrate species. In addition, this alteration is predicted to be tolerated by in silico analysis. Since supporting evidence is limited at this time, the clinical significance of this alteration remains unclear.

NM_025137.4(SPG11):c.1066G>A (p.Val356Ile)

Gene: SPG11 (SPG11 vesicle trafficking associated, spatacsin; minus strand). Cytogenetic location: 15q21.1.
Variant type: single nucleotide variant.
Coding change: c.1066G>A on transcript NM_025137.4 (MANE Select); coding-DNA position 1066, G replaced by A.
Protein change: p.Val356Ile; replaces valine 356 with isoleucine.
Molecular consequence: missense variant.
Genome position (GRCh38, 1-based): chr15:44,651,881, C>T on the plus strand (G>A on the coding strand, the complement: SPG11 is on the minus strand). VCF-style: chr15-44651881-C-T. GRCh37 (hg19) VCF-style: chr15-44944079-C-T.
Other names: c.1066G>A, p.Val356Ile (NM_001160227.2, NM_001411132.1); short protein forms V356I.
Identifiers: ClinVar variation 1781997 (VCV001781997.2), dbSNP rs2505728384, ClinGen allele CA392236667.